The following is an entry in ClinVar:

ClinVar aggregate classification (germline): Uncertain significance (1 of 4 stars; one submission).

Allele frequency attached by ClinVar (database versions not stated): gnomAD exomes below 0.00001; ExAC 0.00001.
gnomAD v4.1: 2 of 1,612,432 alleles (0.00012%); highest among the groups gnomAD compares: Non-Finnish European, 0.000085%; no homozygotes.

Submission:

Labcorp Genetics (formerly Invitae), Labcorp
Classification: Uncertain significance. Last evaluated: 2022-06-23. Review status: criteria provided, single submitter. Criteria: Invitae Variant Classification Sherloc (09022015). Collection method: clinical testing. Allele origin: germline.
Comment: This sequence change replaces glycine, which is neutral and non-polar, with arginine, which is basic and polar, at codon 838 of the AP3B2 protein (p.Gly838Arg). This variant is present in population databases (rs767461367, gnomAD 0.0009%). This variant has not been reported in the literature in individuals affected with AP3B2-related conditions. Algorithms developed to predict the effect of missense changes on protein structure and function are either unavailable or do not agree on the potential impact of this missense change (SIFT: "Tolerated"; PolyPhen-2: "Probably Damaging"; Align-GVGD: "Class C0"). In summary, the available evidence is currently insufficient to determine the role of this variant in disease. Therefore, it has been classified as a Variant of Uncertain Significance.

NM_001278512.2(AP3B2):c.2569G>C (p.Gly857Arg)

Genes: AP3B2 (adaptor related protein complex 3 subunit beta 2; minus strand), CPEB1-AS1 (CPEB1 antisense RNA 1; plus strand). Cytogenetic location: 15q25.2.
Variant type: single nucleotide variant.
Coding change: c.2569G>C on transcript NM_001278512.2 (MANE Select); coding-DNA position 2569, G replaced by C.
Protein change: p.Gly857Arg; replaces glycine 857 with arginine.
Molecular consequence: missense variant.
Genome position (GRCh38, 1-based): chr15:82,663,162, C>G on the plus strand (G>C on the coding strand, the complement: AP3B2 is on the minus strand). VCF-style: chr15-82663162-C-G. GRCh37 (hg19) VCF-style: chr15-83331914-C-G.
Other names: c.2416G>C, p.Gly806Arg (NM_001278511.2); c.2512G>C, p.Gly838Arg (NM_004644.5); short protein forms G857R, G838R, G806R.
Identifiers: ClinVar variation 2200835 (VCV002200835.3), dbSNP rs767461367, ClinGen allele CA7699856.
Genomic context (GRCh38, chr15:82,663,162, plus strand): 5'-CGGTCCCCTCCTCCATCCCACTCACCGACGGTACCAGGGTGGAGTCTGTGAGTGTCAGGC[C>G]CTCCAGGTCAGCAGCCAGACTGGTAGACACAATTGCTGGGGGAGACACAGGCTGGACACT-3'
Protein context (NP_001265441.1, residues 847-867): VSTSLAADLE[Gly857Arg]LTLTDSTLVP